The following is an entry in ClinVar:

ClinVar aggregate classification (germline): Conflicting classifications of pathogenicity. Review status: criteria provided, conflicting classifications (1 of 4 stars). 4 submissions from 4 submitters: Uncertain significance (1); Likely benign (3). Last evaluated 2025-04-09.

Conditions:
Smith-Lemli-Opitz syndrome (SLOS). Also called: POLYDACTYLY, SEX REVERSAL, RENAL HYPOPLASIA, AND UNILOBAR LUNG; RSH SYNDROME; RUTLEDGE LETHAL MULTIPLE CONGENITAL ANOMALY SYNDROME; 7-Dehydrocholesterol reductase deficiency; LETHAL ACRODYSGENITAL SYNDROME. Identifiers: Orphanet 818, MedGen C0175694, MONDO:0010035, OMIM 270400.
DHCR7-related disorder. Also called: DHCR7-related condition.
Inborn genetic diseases. Identifiers: MedGen C0950123, MeSH D030342.

Allele frequency attached by ClinVar (database versions not stated): TOPMed below 0.00001; ExAC 0.00001; gnomAD 0.00001; ESP Exome Variant Server 0.00008.
gnomAD v4.1: 14 of 1,612,870 alleles (0.00087%); highest among the groups gnomAD compares: Middle Eastern, 0.016%; no homozygotes.

Submissions (4):

PreventionGenetics, part of Exact Sciences
Classification: Likely benign for DHCR7-related condition. Last evaluated: 2025-04-09. Review status: criteria provided, single submitter. Criteria: ACMG Guidelines, 2015. Collection method: clinical testing. Allele origin: germline.
Comment: This variant is classified as likely benign based on ACMG/AMP sequence variant interpretation guidelines (Richards et al. 2015 PMID: 25741868, with internal and published modifications).

Labcorp Genetics (formerly Invitae), Labcorp
Classification: Likely benign for Smith-Lemli-Opitz syndrome. Last evaluated: 2024-12-31. Review status: criteria provided, single submitter. Criteria: Invitae Variant Classification Sherloc (09022015). Collection method: clinical testing. Allele origin: germline.

Ambry Genetics
Classification: Likely benign for Inborn genetic diseases. Last evaluated: 2018-08-29. Review status: criteria provided, single submitter. Criteria: Ambry Variant Classification Scheme 2023. Collection method: clinical testing. Allele origin: germline.

Eurofins Ntd Llc (ga)
Classification: Uncertain significance. Last evaluated: 2017-11-22. Review status: criteria provided, single submitter. Criteria: EGL Classification Definitions 2015. Collection method: clinical testing. Allele origin: germline. Observed: 1 variant allele, 1 heterozygote.

NM_001360.3(DHCR7):c.1152C>T (p.Ser384=)

Gene: DHCR7 (7-dehydrocholesterol reductase; minus strand). Cytogenetic location: 11q13.4.
Variant type: single nucleotide variant.
Coding change: c.1152C>T on transcript NM_001360.3 (MANE Select); coding-DNA position 1152, C replaced by T.
Protein change: p.Ser384=; no amino-acid change (serine 384 retained).
Molecular consequence: synonymous variant.
Genome position (GRCh38, 1-based): chr11:71,435,651, G>A on the plus strand (C>T on the coding strand, the complement: DHCR7 is on the minus strand). VCF-style: chr11-71435651-G-A. GRCh37 (hg19) VCF-style: chr11-71146697-G-A.
Other names: c.1152C>T, p.Ser384= (NM_001163817.2).
Identifiers: ClinVar variation 595133 (VCV000595133.18), dbSNP rs145084285, ClinGen allele CA6162300.
Genomic context (GRCh38, chr11:71,435,651, plus strand): 5'-GCGGGCCACGCCCCAGAAGCCCGACACCAGCAGCTTGCTGTGGTGCCTCTGCCCATCGGC[G>A]GATGTGTAGGAGCACTCGATGACCTTGGGCTTCCTGCCCCAGATGAGGCAGCGCCCATCC-3'
Protein context (NP_001351.2, residues 374-394): KPKVIECSYT[Ser384=]ADGQRHHSKL